The following is an entry in ClinVar:

NM_001283009.2(RTEL1):c.1512C>A (p.His504Gln)

Genes: RTEL1 (regulator of telomere elongation helicase 1; plus strand), RTEL1-TNFRSF6B (RTEL1-TNFRSF6B readthrough (NMD candidate); plus strand). Cytogenetic location: 20q13.33.
Variant type: single nucleotide variant.
Coding change: c.1512C>A on transcript NM_001283009.2 (MANE Select); coding-DNA position 1512, C replaced by A.
Protein change: p.His504Gln; replaces histidine 504 with glutamine.
Molecular consequence: missense variant. On other transcripts: non-coding transcript variant (1).
Genome position (GRCh38, 1-based): chr20:63,687,967, C>A. VCF-style: chr20-63687967-C-A. GRCh37 (hg19) VCF-style: chr20-62319320-C-A.
Other names: c.843C>A, p.His281Gln (NM_001283010.1); c.1512C>A, p.His504Gln (NM_016434.4); c.1584C>A, p.His528Gln (NM_032957.5); short protein forms H281Q, H504Q, H528Q.
Identifiers: ClinVar variation 3948454 (VCV003948454.1).
Genomic context (GRCh38, chr20:63,687,967, plus strand): 5'-CCACTGTCTGCTCCCTCTGGCCACGCTCAGCCCTTTCCCAGTCTGCCTGGAGAACCCACA[C>A]ATCATCGACAAGCACCAGATCTGGGTGGGGGTCGTCCCCAGAGGCCCCGATGGAGCCCAG-3'
Protein context (NP_001269938.1, residues 494-514): IPFPVCLENP[His504Gln]IIDKHQIWVG

ClinVar aggregate classification (germline): Uncertain significance (1 of 4 stars; one submission).

Conditions:
Inborn genetic diseases. Identifiers: MedGen C0950123, MeSH D030342.

Submission:

Ambry Genetics
Classification: Uncertain significance for Inborn genetic diseases. Last evaluated: 2025-06-06. Review status: criteria provided, single submitter. Criteria: Ambry Variant Classification Scheme 2023. Collection method: clinical testing. Allele origin: germline.
Comment: The p.H504Q variant (also known as c.1512C>A), located in coding exon 17 of the RTEL1 gene, results from a C to A substitution at nucleotide position 1512. The histidine at codon 504 is replaced by glutamine, an amino acid with highly similar properties. This amino acid position is conserved. In addition, this alteration is predicted to be deleterious by in silico analysis. Based on the available evidence, the clinical significance of this variant remains unclear.